The following is an entry in ClinVar:

NM_001134831.2(AHI1):c.2989-1G>A

Gene: AHI1 (Abelson helper integration site 1; minus strand). Cytogenetic location: 6q23.3.
Variant type: single nucleotide variant.
Coding change: c.2989-1G>A on transcript NM_001134831.2 (MANE Select); the canonical splice acceptor site of the intron before coding-DNA position 2989, G replaced by A.
Molecular consequence: splice acceptor variant.
Genome position (GRCh38, 1-based): chr6:135,394,897, C>T on the plus strand (G>A on the coding strand, the complement: AHI1 is on the minus strand). VCF-style: chr6-135394897-C-T. GRCh37 (hg19) VCF-style: chr6-135716035-C-T.
Other names: c.2989-1G>A (NM_001134832.2, NM_001134830.2, NM_001350503.2 and 2 more transcripts).
Identifiers: ClinVar variation 3688516 (VCV003688516.2).

ClinVar aggregate classification (germline): Likely pathogenic (1 of 4 stars; one submission).

Conditions:
Joubert syndrome. Also called: CEREBELLOPARENCHYMAL DISORDER IV; JOUBERT-BOLTSHAUSER SYNDROME; Familial aplasia of the vermis. Identifiers: Orphanet 475, MedGen C5979921, MONDO:0018772.

gnomAD v4.1: 2 of 1,592,616 alleles (0.00013%); highest among the groups gnomAD compares: South Asian, 0.0023%; no homozygotes.

Submission:

Labcorp Genetics (formerly Invitae), Labcorp
Classification: Likely pathogenic for Joubert syndrome. Last evaluated: 2024-05-06. Review status: criteria provided, single submitter. Criteria: Invitae Variant Classification Sherloc (09022015). Collection method: clinical testing. Allele origin: germline.
Comment: This sequence change affects an acceptor splice site in intron 21 of the AHI1 gene. It is expected to disrupt RNA splicing. Variants that disrupt the donor or acceptor splice site typically lead to a loss of protein function (PMID: 16199547), and loss-of-function variants in AHI1 are known to be pathogenic (PMID: 15322546, 16453322, 28442542, 29186038). This variant is not present in population databases (gnomAD no frequency). This variant has not been reported in the literature in individuals affected with AHI1-related conditions. Algorithms developed to predict the effect of sequence changes on RNA splicing suggest that this variant may disrupt the consensus splice site. In summary, the currently available evidence indicates that the variant is pathogenic, but additional data are needed to prove that conclusively. Therefore, this variant has been classified as Likely Pathogenic.

Literature cited by the submitters: PubMed 16199547; PubMed 15322546; PubMed 16453322; PubMed 28442542; PubMed 29186038.